The following is an entry in ClinVar:

ClinVar aggregate classification (germline): Conflicting classifications of pathogenicity. Review status: criteria provided, conflicting classifications (1 of 4 stars). 2 submissions from 2 submitters: Uncertain significance (1); Likely benign (1). Last evaluated 2025-11-12.

Conditions:
Cardiovascular phenotype. Identifiers: MedGen CN230736.
Dilated cardiomyopathy 1DD (CMD1DD). Identifiers: Orphanet 154, MedGen C2750995, MONDO:0013168, OMIM 613172.

Allele frequency attached by ClinVar (database versions not stated): ExAC below 0.00001; gnomAD 0.00001; TOPMed 0.00002; 1000 Genomes Project 30x 0.00016; 1000 Genomes Project 0.00020.
gnomAD v4.1: 18 of 1,551,738 alleles (0.0012%); highest among the groups gnomAD compares: Non-Finnish European, 0.0015%; no homozygotes.

Submissions (2):

Labcorp Genetics (formerly Invitae), Labcorp
Classification: Likely benign for Dilated cardiomyopathy 1DD. Last evaluated: 2025-11-12. Review status: criteria provided, single submitter. Criteria: Invitae Variant Classification Sherloc (09022015). Collection method: clinical testing. Allele origin: germline.

Ambry Genetics
Classification: Uncertain significance for Cardiovascular phenotype. Last evaluated: 2021-11-22. Review status: criteria provided, single submitter. Criteria: Ambry Variant Classification Scheme 2023. Collection method: clinical testing. Allele origin: germline.
Comment: The p.S236Y variant (also known as c.707C>A), located in coding exon 2 of the RBM20 gene, results from a C to A substitution at nucleotide position 707. The serine at codon 236 is replaced by tyrosine, an amino acid with dissimilar properties. This amino acid position is conserved. In addition, this alteration is predicted to be tolerated by in silico analysis. Since supporting evidence is limited at this time, the clinical significance of this alteration remains unclear.

NM_001134363.3(RBM20):c.707C>A (p.Ser236Tyr)

Gene: RBM20 (RNA binding motif protein 20; plus strand). Cytogenetic location: 10q25.2.
Variant type: single nucleotide variant.
Coding change: c.707C>A on transcript NM_001134363.3 (MANE Select); coding-DNA position 707, C replaced by A.
Protein change: p.Ser236Tyr; replaces serine 236 with tyrosine.
Molecular consequence: missense variant.
Genome position (GRCh38, 1-based): chr10:110,781,316, C>A. VCF-style: chr10-110781316-C-A. GRCh37 (hg19) VCF-style: chr10-112541074-C-A.
Other names: short protein forms S236Y.
Identifiers: ClinVar variation 971972 (VCV000971972.12), dbSNP rs548382173, ClinGen allele CA5688524.